The following is an entry in ClinVar:

NM_000441.2(SLC26A4):c.757A>G (p.Ile253Val)

Gene: SLC26A4 (solute carrier family 26 member 4; plus strand). Cytogenetic location: 7q22.3.
Variant type: single nucleotide variant.
Coding change: c.757A>G on transcript NM_000441.2 (MANE Select); coding-DNA position 757, A replaced by G.
Protein change: p.Ile253Val; replaces isoleucine 253 with valine.
Molecular consequence: missense variant.
Genome position (GRCh38, 1-based): chr7:107,675,101, A>G. VCF-style: chr7-107675101-A-G. GRCh37 (hg19) VCF-style: chr7-107315546-A-G.
Other names: short protein forms I253V.
Identifiers: ClinVar variation 4852272 (VCV004852272.1).
Genomic context (GRCh38, chr7:107,675,101, plus strand): 5'-GTCTCACAGCTAAAGATTGTCCTCAATGTTTCAACCAAAAACTACAATGGAGTTCTCTCT[A>G]TTATCTATGTAAGTGTTGCTTCTTGCTCCAGGGATGGGTCACTGTTCATTCCAGAAACAA-3'
Protein context (NP_000432.1, residues 243-263): STKNYNGVLS[Ile253Val]IYTLVEIFQN

ClinVar aggregate classification (germline): Likely benign (1 of 4 stars; one submission).

Conditions:
Autosomal recessive nonsyndromic hearing loss 4 (DFNB4). Also called: NEUROSENSORY NONSYNDROMIC RECESSIVE DEAFNESS 4; FOXI1-Related Pendred Syndrome; KCNJ10-Related Pendred Syndrome; DEAFNESS, AUTOSOMAL RECESSIVE 4, WITH ENLARGED VESTIBULAR AQUEDUCT, DIGENIC; Nonsyndromic enlarged vestibular aqueduct (NSEVA); Deafness, autosomal recessive 4, with enlarged vestibular aqueduct. Identifiers: Orphanet 90636, MedGen C3538946, MONDO:0010933, OMIM 600791.

gnomAD v4.1: 60 of 1,613,762 alleles (0.0037%); highest among the groups gnomAD compares: East Asian, 0.04%; no homozygotes.

Submission:

Centre for Medical Genetics,  Mumbai
Classification: Likely benign for Autosomal recessive nonsyndromic hearing loss 4. Last evaluated: 2026-04-28. Review status: criteria provided, single submitter. Criteria: ACMG Guidelines, 2015. Collection method: provider interpretation. Allele origin: germline. Inheritance: Autosomal recessive inheritance. Affected: no. Observed: 1 variant allele, 1 homozygote.
Comment: The variant satisfies PM2 criteria - extremely low frequency in gnomAD population databases. The variant satisfies PM1 criteria - non-truncating non-synonymous variant is located in a mutational hot spot and/or critical and well-established functional domain. The variant satisfies PP2 criteria - missense variant in a gene with low rate of benign missense mutations and for which missense mutation is a common mechanism of a disease. However, the variant satisfies BS2 criteria - present in homozygous state in an individual that clinically does not have deafness with enlarged vestibular aqueduct.

Literature cited by the submitters: PubMed 10190331.